The following is an entry in ClinVar:

ClinVar aggregate classification (germline): Conflicting classifications of pathogenicity. Review status: criteria provided, conflicting classifications (1 of 4 stars). 2 submissions from 2 submitters: Likely pathogenic (1); Uncertain significance (1). Last evaluated 2020-01-31.

Conditions:
46,XX sex reversal 4 (SRXX4). Also called: 46,XX SEX REVERSAL, SRY-NEGATIVE; 46, XX sex reversal 4. Identifiers: MedGen C4479552, MONDO:0060489, OMIM 617480.
46 XY differences of sex development. Also called: 46, XY disorder of sex development (DSD); 46,XY disorder of sex development. Identifiers: Orphanet 98085, MedGen C2751824, MONDO:0020040.
Oligosynaptic infertility (SPGF1). Also called: SPERMATOGENIC FAILURE 1; OLIGOCHIASMATIC INFERTILITY. Identifiers: MedGen C0403810, MONDO:0009776, OMIM 258150.

Submissions (2):

Centre for Mendelian Genomics, University Medical Centre Ljubljana
Classification: Likely pathogenic for 46,XX sex reversal 4. Last evaluated: 2020-01-31. Review status: criteria provided, single submitter. Criteria: ACMG Guidelines, 2015. Collection method: clinical testing. Allele origin: unknown. Affected: yes.
Comment: This variant was classified as: Likely pathogenic. The following ACMG criteria were applied in classifying this variant: PM1,PM2,PP2,PP3,PP4.

Labcorp Genetics (formerly Invitae), Labcorp
Classification: Uncertain significance for 46 XY differences of sex development; Oligosynaptic infertility. Last evaluated: 2018-06-01. Review status: criteria provided, single submitter. Criteria: Invitae Variant Classification Sherloc (09022015). Collection method: clinical testing. Allele origin: germline.
Comment: The observation of one or more missense substitutions at this codon (p.Cys30Arg and p.Cys30Trp) in affected individuals suggests that this may be a clinically significant residue (PMID: 22549935, Invitae). Algorithms developed to predict the effect of missense changes on protein structure and function are either unavailable or do not agree on the potential impact of this missense change (SIFT: "Deleterious"; PolyPhen-2: "Probably Damaging"; Align-GVGD: "Class C0"). This variant has not been reported in the literature in individuals with NR5A1-related disease. This variant is not present in population databases (ExAC no frequency). This sequence change replaces cysteine with arginine at codon 30 of the NR5A1 protein (p.Cys30Arg). The cysteine residue is moderately conserved and there is a large physicochemical difference between cysteine and arginine. In summary, the available evidence is currently insufficient to determine the role of this variant in disease. Therefore, it has been classified as a Variant of Uncertain Significance.

Literature cited by the submitters: PubMed 22549935 (cited by Labcorp Genetics (formerly Invitae), Labcorp).

NM_004959.5(NR5A1):c.88T>C (p.Cys30Arg)

Gene: NR5A1 (nuclear receptor subfamily 5 group A member 1; minus strand). Cytogenetic location: 9q33.3.
Variant type: single nucleotide variant.
Coding change: c.88T>C on transcript NM_004959.5 (MANE Select); coding-DNA position 88, T replaced by C.
Protein change: p.Cys30Arg; replaces cysteine 30 with arginine.
Molecular consequence: missense variant.
Genome position (GRCh38, 1-based): chr9:124,503,308, A>G on the plus strand (T>C on the coding strand, the complement: NR5A1 is on the minus strand). VCF-style: chr9-124503308-A-G. GRCh37 (hg19) VCF-style: chr9-127265587-A-G.
Other names: short protein forms C30R.
Identifiers: ClinVar variation 570773 (VCV000570773.11), dbSNP rs1564153753, ClinGen allele CA374890669.